The following is an entry in ClinVar:

NM_001384474.1(LOXHD1):c.916G>A (p.Asp306Asn)

Gene: LOXHD1 (lipoxygenase homology PLAT domains 1; minus strand). Cytogenetic location: 18q21.1.
Variant type: single nucleotide variant.
Coding change: c.916G>A on transcript NM_001384474.1 (MANE Select); coding-DNA position 916, G replaced by A.
Protein change: p.Asp306Asn; replaces aspartic acid 306 with asparagine.
Molecular consequence: missense variant.
Genome position (GRCh38, 1-based): chr18:46,601,435, C>T on the plus strand (G>A on the coding strand, the complement: LOXHD1 is on the minus strand). VCF-style: chr18-46601435-C-T. GRCh37 (hg19) VCF-style: chr18-44181398-C-T.
Other names: c.916G>A, p.Asp306Asn (NM_144612.7); short protein forms D306N.
Identifiers: ClinVar variation 423819 (VCV000423819.5), dbSNP rs769059187, ClinGen allele CA8952858.

ClinVar aggregate classification (germline): Uncertain significance. Review status: criteria provided, multiple submitters, no conflicts (2 of 4 stars). 4 submissions from 4 submitters: Uncertain significance (3). 1 of the submissions does not count toward it. Last evaluated 2026-02-11.

Conditions:
LOXHD1-related disorder. Also called: LOXHD1-related condition.
Autosomal recessive nonsyndromic hearing loss 77. Identifiers: Orphanet 90636, MedGen C2746083, MONDO:0013119, OMIM 613079.

Allele frequency attached by ClinVar (database versions not stated): ExAC 0.00004; gnomAD exomes 0.00008; gnomAD 0.00034 and 0.00039; TOPMed 0.00035.
gnomAD v4.1: 96 of 1,551,618 alleles (0.0062%); highest among the groups gnomAD compares: African/African-American, 0.11%; no homozygotes.

Submissions (4):

PreventionGenetics, part of Exact Sciences
Classification: Uncertain significance for LOXHD1-related condition. Last evaluated: 2026-02-11. Review status: criteria provided, single submitter. Criteria: ACMG Guidelines, 2015. Collection method: clinical testing. Allele origin: germline.
Comment: The LOXHD1 c.916G>A variant is predicted to result in the amino acid substitution p.Asp306Asn. To our knowledge, this variant has not been reported in the literature. This variant is reported in 0.14% of alleles in individuals of African descent in gnomAD. Although we suspect that this variant may be benign, at this time, the clinical significance of this variant is uncertain due to the absence of conclusive functional and genetic evidence.

Fulgent Genetics
Classification: Uncertain significance for Autosomal recessive nonsyndromic hearing loss 77. Last evaluated: 2021-09-10. Review status: criteria provided, single submitter. Criteria: ACMG Guidelines, 2015. Collection method: clinical testing. Allele origin: unknown.

GeneDx
Classification: Uncertain significance. Last evaluated: 2018-10-22. Review status: criteria provided, single submitter. Criteria: GeneDx Variant Classification (06012015). Collection method: clinical testing. Allele origin: germline. Affected: yes.
Comment: The D306N variant in the LOXHD1 gene has not been reported previously as a pathogenic variant, nor as a benign variant, to our knowledge. The D306N variant is observed in 1/2,716 (0.037%) alleles from individuals of African background in the ExAC dataset; no individuals were homozygous (Lek et al., 2016). The D306N variant is a semi-conservative amino acid substitution, which may impact secondary protein structure as these residues differ in some properties. This substitution occurs at a position where amino acids with similar properties to Aspartic acid are tolerated across species. In silico analysis predicts this variant is probably damaging to the protein structure/function. We interpret D306N as a variant of uncertain significance.

Natera, Inc.
Classification: Uncertain significance for Autosomal recessive deafness type 77. Last evaluated: 2020-01-24. Review status: no assertion criteria provided. Collection method: clinical testing. Allele origin: germline. Not counted in ClinVar's aggregate classification.